The following is an entry in ClinVar:

ClinVar aggregate classification (germline): Uncertain significance (1 of 4 stars; one submission).

Conditions:
Nemaline myopathy 9 (NEM9). Identifiers: MedGen C3810384, MONDO:0014326, OMIM 615731.

gnomAD v4.1: 3 of 1,614,082 alleles (0.00019%); highest among the groups gnomAD compares: Non-Finnish European, 0.00025%; no homozygotes.

Submission:

Labcorp Genetics (formerly Invitae), Labcorp
Classification: Uncertain significance for Nemaline myopathy 9. Last evaluated: 2025-06-23. Review status: criteria provided, single submitter. Criteria: Invitae Variant Classification Sherloc (09022015). Collection method: clinical testing. Allele origin: germline.
Comment: This sequence change replaces aspartic acid, which is acidic and polar, with asparagine, which is neutral and polar, at codon 207 of the KLHL41 protein (p.Asp207Asn). This variant is not present in population databases (gnomAD no frequency). This variant has not been reported in the literature in individuals affected with KLHL41-related conditions. An algorithm developed to predict the effect of missense changes on protein structure and function (PolyPhen-2) suggests that this variant is likely to be disruptive. In summary, the available evidence is currently insufficient to determine the role of this variant in disease. Therefore, it has been classified as a Variant of Uncertain Significance.

NM_006063.3(KLHL41):c.619G>A (p.Asp207Asn)

Gene: KLHL41 (kelch like family member 41; plus strand). Cytogenetic location: 2q31.1.
Variant type: single nucleotide variant.
Coding change: c.619G>A on transcript NM_006063.3 (MANE Select); coding-DNA position 619, G replaced by A.
Protein change: p.Asp207Asn; replaces aspartic acid 207 with asparagine.
Molecular consequence: missense variant.
Genome position (GRCh38, 1-based): chr2:169,510,397, G>A. VCF-style: chr2-169510397-G-A. GRCh37 (hg19) VCF-style: chr2-170366907-G-A.
Other names: short protein forms D207N.
Identifiers: ClinVar variation 4703070 (VCV004703070.1).